The following is an entry in ClinVar:

NM_015001.3(SPEN):c.5669C>G (p.Pro1890Arg)

Gene: SPEN (spen family transcriptional repressor; plus strand). Cytogenetic location: 1p36.13.
Variant type: single nucleotide variant.
Coding change: c.5669C>G on transcript NM_015001.3 (MANE Select); coding-DNA position 5669, C replaced by G.
Protein change: p.Pro1890Arg; replaces proline 1890 with arginine.
Molecular consequence: missense variant.
Genome position (GRCh38, 1-based): chr1:15,931,909, C>G. VCF-style: chr1-15931909-C-G. GRCh37 (hg19) VCF-style: chr1-16258404-C-G.
Other names: short protein forms P1890R.
Identifiers: ClinVar variation 3364583 (VCV003364583.1).

ClinVar aggregate classification (germline): Uncertain significance (1 of 4 stars; one submission).

gnomAD v4.1: 1 of 1,614,200 alleles (0.000062%); highest among the groups gnomAD compares: Non-Finnish European, 0.000085%; no homozygotes.

Submission:

GeneDx
Classification: Uncertain significance. Last evaluated: 2023-11-19. Review status: criteria provided, single submitter. Criteria: GeneDx Variant Classification Process June 2021. Collection method: clinical testing. Allele origin: germline. Affected: yes.
Comment: Not observed at significant frequency in large population cohorts (gnomAD); In silico analysis supports that this missense variant does not alter protein structure/function; Has not been previously published as pathogenic or benign to our knowledge